The following is an entry in ClinVar:

ClinVar aggregate classification (germline): Pathogenic (1 of 4 stars; one submission).

Submission:

Labcorp Genetics (formerly Invitae), Labcorp
Classification: Pathogenic. Last evaluated: 2022-11-25. Review status: criteria provided, single submitter. Criteria: Invitae Variant Classification Sherloc (09022015). Collection method: clinical testing. Allele origin: unknown.
Comment: For these reasons, this variant has been classified as Pathogenic. This variant has not been reported in the literature in individuals affected with ADGRV1-related conditions. This variant is a gross deletion of the genomic region encompassing exon(s) 15-31 of the ADGRV1 gene. This deletion is out-of-frame, and is expected to create a premature termination codon and result in an absent or disrupted protein product. Loss-of-function variants in ADGRV1 are known to be pathogenic (PMID: 19357117, 22135276, 22147658, 26226137, 30718709, 31047384, 32467589).

Literature cited by the submitters: PubMed 19357117; PubMed 22135276; PubMed 22147658; PubMed 26226137; PubMed 30718709; PubMed 31047384; PubMed 32467589.

NC_000005.9:g.(?_89940055)_(89987633_?)del

Gene: ADGRV1 (adhesion G protein-coupled receptor V1; plus strand). Cytogenetic location: 5q14.3.
Variant type: Deletion.
Identifiers: ClinVar variation 3246541 (VCV003246541.1).